The following is an entry in ClinVar:

NM_002700.3(POU4F3):c.746A>C (p.Gln249Pro)

Genes: POU4F3 (POU class 4 homeobox 3; plus strand), RBM27-POU4F3 (RBM27-POU4F3 readthrough; plus strand). Cytogenetic location: 5q32.
Variant type: single nucleotide variant.
Coding change: c.746A>C on transcript NM_002700.3 (MANE Select); coding-DNA position 746, A replaced by C.
Protein change: p.Gln249Pro; replaces glutamine 249 with proline.
Molecular consequence: missense variant.
Genome position (GRCh38, 1-based): chr5:146,340,173, A>C. VCF-style: chr5-146340173-A-C. GRCh37 (hg19) VCF-style: chr5-145719736-A-C.
Other names: short protein forms Q249P.
Identifiers: ClinVar variation 1065082 (VCV001065082.3), dbSNP rs2126961833, ClinGen allele CA361622137.

ClinVar aggregate classification (germline): Uncertain significance (1 of 4 stars; one submission).

Conditions:
Hearing impairment. Also called: Impaired Hearing. Identifiers: MedGen C1384666, MONDO:0005365, HP:0000365.

Submission:

Department of Otolaryngology – Head & Neck Surgery, Cochlear Implant Center
Classification: Uncertain significance for Hearing impairment. Last evaluated: 2021-04-12. Review status: criteria provided, single submitter. Criteria: ClinGen HL ACMG Specifications v1. Collection method: clinical testing. Allele origin: germline. Affected: yes.
Comment: PM2_Moderate, PP3_Supporting